The following is an entry in ClinVar:

NM_001371623.1(TCOF1):c.2146_2147del (p.Lys716fs)

Gene: TCOF1 (treacle ribosome biogenesis factor 1; plus strand). Cytogenetic location: 5q32.
Variant type: Deletion.
Coding change: c.2146_2147del on transcript NM_001371623.1 (MANE Select); coding-DNA positions 2146 to 2147, 2 bases deleted (AA; older notation c.2146_2147delAA).
Protein change: p.Lys716fs; shifts the reading frame from lysine 716.
Molecular consequence: frameshift variant.
Genome position (GRCh38, 1-based): chr5:150,376,426-150,376,427, AA deleted; deleting any 2 consecutive bases within chr5:150,376,425-150,376,427 gives the same sequence; the c. name uses the placement nearest the transcript's 3' end. VCF-style (leftmost placement, unchanged base first): chr5-150376424-CAA-C. GRCh37 (hg19) VCF-style: chr5-149755987-CAA-C.
Other names: c.2146_2147delAA (NM_001135243.1); c.1915_1916del, p.Lys639fs (NM_000356.4, NM_001135245.2); c.2146_2147del, p.Lys716fs (NM_001008657.3, NM_001135243.2, NM_001135244.2 and 1 more transcripts); short protein forms K639fs, K716fs.
Identifiers: ClinVar variation 477615 (VCV000477615.9), dbSNP rs1554137419, ClinGen allele CA658657560.
Genomic context (GRCh38, chr5:150,376,424, plus strand): 5'-CCGCCCCTACGTGGTCCTTTGGACTCCTGGAGACACCTCTCTTCCCCTTGTCATCCCAGG[CAA>C]AGTCTGTGGGGAAAGGCCTCCAGGTGAAAGCAGCCTCAGTGCCTGTCAAGGGGTCCTTGG-3'

ClinVar aggregate classification (germline): Pathogenic (1 of 4 stars; one submission).

Conditions:
Treacher Collins syndrome 1 (TCS1). Also called: TCOF1-Related Treacher Collins Syndrome. Identifiers: Orphanet 861, MedGen CN315775, MONDO:0007944, OMIM 154500.

Submission:

Labcorp Genetics (formerly Invitae), Labcorp
Classification: Pathogenic for Treacher Collins syndrome 1. Last evaluated: 2022-08-01. Review status: criteria provided, single submitter. Criteria: Invitae Variant Classification Sherloc (09022015). Collection method: clinical testing. Allele origin: germline.
Comment: ClinVar contains an entry for this variant (Variation ID: 477615). This variant is also known as c.1915_1916delAA. This premature translational stop signal has been observed in individual(s) with Treacher Collins syndrome (PMID: 15150774). This variant is not present in population databases (gnomAD no frequency). This sequence change creates a premature translational stop signal (p.Lys716Valfs*41) in the TCOF1 gene. It is expected to result in an absent or disrupted protein product. Loss-of-function variants in TCOF1 are known to be pathogenic (PMID: 8894686, 22317976). For these reasons, this variant has been classified as Pathogenic. Algorithms developed to predict the effect of sequence changes on RNA splicing suggest that this variant may create or strengthen a splice site.

Literature cited by the submitters: PubMed 15150774; PubMed 8894686; PubMed 22317976.